The following is an entry in ClinVar:

ClinVar aggregate classification (germline): Uncertain significance (1 of 4 stars; one submission).

Allele frequency attached by ClinVar (database versions not stated): TOPMed below 0.00001.
gnomAD v4.1: 1 of 1,613,644 alleles (0.000062%); no homozygotes.

Submission:

Labcorp Genetics (formerly Invitae), Labcorp
Classification: Uncertain significance. Last evaluated: 2024-04-16. Review status: criteria provided, single submitter. Criteria: Invitae Variant Classification Sherloc (09022015). Collection method: clinical testing. Allele origin: germline.
Comment: This sequence change replaces lysine, which is basic and polar, with arginine, which is basic and polar, at codon 896 of the CDH2 protein (p.Lys896Arg). This variant is not present in population databases (gnomAD no frequency). This variant has not been reported in the literature in individuals affected with CDH2-related conditions. An algorithm developed to predict the effect of missense changes on protein structure and function (PolyPhen-2) suggests that this variant is likely to be disruptive. In summary, the available evidence is currently insufficient to determine the role of this variant in disease. Therefore, it has been classified as a Variant of Uncertain Significance.

NM_001792.5(CDH2):c.2687A>G (p.Lys896Arg)

Genes: CDH2 (cadherin 2; minus strand), CDH2-AS1 (CDH2 antisense RNA 1; plus strand). Cytogenetic location: 18q12.1.
Variant type: single nucleotide variant.
Coding change: c.2687A>G on transcript NM_001792.5 (MANE Select); coding-DNA position 2687, A replaced by G.
Protein change: p.Lys896Arg; replaces lysine 896 with arginine.
Molecular consequence: missense variant.
Genome position (GRCh38, 1-based): chr18:27,952,187, T>C on the plus strand (A>G on the coding strand, the complement: CDH2 is on the minus strand). VCF-style: chr18-27952187-T-C. GRCh37 (hg19) VCF-style: chr18-25532151-T-C.
Other names: c.2594A>G, p.Lys865Arg (NM_001308176.2); short protein forms K865R, K896R.
Identifiers: ClinVar variation 3000790 (VCV003000790.3), dbSNP rs1909489908, ClinGen allele CA402100949.